The following is an entry in ClinVar:

ClinVar aggregate classification (germline): Likely benign. Review status: criteria provided, multiple submitters, no conflicts (2 of 4 stars). 2 submissions from 2 submitters: Likely benign (2). Last evaluated 2025-03-19.

Conditions:
Juvenile polyposis syndrome (JPS). Identifiers: Orphanet 2929, MedGen C0345893, MONDO:0017380, OMIM 174900.
Juvenile polyposis/hereditary hemorrhagic telangiectasia syndrome (JPHT). Also called: Juvenile Polyposis Syndrome / Hereditary Hemorrhagic Telangiectasia (JPS/HHT); JP/HHT SYNDROME; JUVENILE POLYPOSIS WITH HEREDITARY HEMORRHAGIC TELANGIECTASIA; POLYPOSIS, GENERALIZED JUVENILE, WITH PULMONARY ARTERIOVENOUS MALFORMATION; TELANGIECTASIA, HEREDITARY HEMORRHAGIC, WITH JUVENILE POLYPOSIS COLI. Identifiers: Orphanet 2929, MedGen C1832942, MONDO:0008278, OMIM 175050.

Submissions (2):

Myriad Genetics, Inc.
Classification: Likely benign for Juvenile polyposis/hereditary hemorrhagic telangiectasia syndrome. Last evaluated: 2025-03-19. Review status: criteria provided, single submitter. Criteria: Myriad Autosomal Dominant, Autosomal Recessive and X-Linked Classification Criteria (2023). Collection method: clinical testing. Allele origin: unknown.
Comment: This variant is considered likely benign. This variant is intronic and is not expected to impact mRNA splicing.

Labcorp Genetics (formerly Invitae), Labcorp
Classification: Likely benign for Juvenile polyposis syndrome. Last evaluated: 2024-04-10. Review status: criteria provided, single submitter. Criteria: Invitae Variant Classification Sherloc (09022015). Collection method: clinical testing. Allele origin: germline.

NM_005359.6(SMAD4):c.455-15T>C

Gene: SMAD4 (SMAD family member 4; plus strand). Cytogenetic location: 18q21.2.
Variant type: single nucleotide variant.
Coding change: c.455-15T>C on transcript NM_005359.6 (MANE Select); 15 bases into the intron before coding-DNA position 455, T replaced by C.
Molecular consequence: intron variant.
Genome position (GRCh38, 1-based): chr18:51,054,766, T>C. VCF-style: chr18-51054766-T-C. GRCh37 (hg19) VCF-style: chr18-48581136-T-C.
Identifiers: ClinVar variation 1561301 (VCV001561301.9), dbSNP rs2144417628, ClinGen allele CA2573155402.